The following is an entry in ClinVar:

NM_001370259.2(MEN1):c.61C>A (p.Arg21Ser)

Gene: MEN1 (menin 1; minus strand). Cytogenetic location: 11q13.1.
Variant type: single nucleotide variant.
Coding change: c.61C>A on transcript NM_001370259.2 (MANE Select); coding-DNA position 61, C replaced by A.
Protein change: p.Arg21Ser; replaces arginine 21 with serine.
Molecular consequence: missense variant.
Genome position (GRCh38, 1-based): chr11:64,810,049, G>T on the plus strand (C>A on the coding strand, the complement: MEN1 is on the minus strand). VCF-style: chr11-64810049-G-T. GRCh37 (hg19) VCF-style: chr11-64577521-G-T.
Other names: c.61C>A, p.Arg21Ser (NM_000244.4, NM_001370251.2, NM_001370260.2 and 9 more transcripts); short protein forms R21S.
Identifiers: ClinVar variation 305315 (VCV000305315.26), dbSNP rs541476418, ClinGen allele CA061326.

ClinVar aggregate classification (germline): Conflicting classifications of pathogenicity. Review status: criteria provided, conflicting classifications (1 of 4 stars). 9 submissions from 8 submitters: Uncertain significance (3); Benign (2); Likely benign (4). Last evaluated 2026-01-19.

Conditions:
Hyperparathyroidism. Identifiers: MedGen C0020502, MONDO:0001741, HP:0000843.
Hereditary cancer-predisposing syndrome. Also called: Hereditary Cancer Syndrome; Hereditary neoplastic syndrome; Neoplastic Syndromes, Hereditary; Tumor predisposition. Identifiers: Orphanet 140162, MedGen C0027672, MeSH D009386, MONDO:0015356.
Multiple endocrine neoplasia, type 1 (MEN1). Also called: MEA I; MEN I; WERMER SYNDROME; Endocrine adenomatosis multiple; MEN 1. Identifiers: Orphanet 652, MedGen C0025267, MeSH D018761, MONDO:0007540, OMIM 131100.

Allele frequency attached by ClinVar (database versions not stated): gnomAD below 0.00001 and 0.00004; TOPMed 0.00001; gnomAD exomes 0.00008 and 0.00019; ExAC 0.00032; 1000 Genomes Project 0.00060; 1000 Genomes Project 30x 0.00062.
gnomAD v4.1: 135 of 1,600,304 alleles (0.0084%); highest among the groups gnomAD compares: South Asian, 0.14%; no homozygotes.

Submissions (9):

Labcorp Genetics (formerly Invitae), Labcorp
Classification: Likely benign for Multiple endocrine neoplasia, type 1. Last evaluated: 2026-01-19. Review status: criteria provided, single submitter. Criteria: Invitae Variant Classification Sherloc (09022015). Collection method: clinical testing. Allele origin: germline.

Myriad Genetics, Inc.
Classification: Likely benign for Multiple endocrine neoplasia, type 1. Last evaluated: 2024-08-06. Review status: criteria provided, single submitter. Criteria: Myriad Autosomal Dominant, Autosomal Recessive and X-Linked Classification Criteria (2023). Collection method: clinical testing. Allele origin: unknown.
Comment: This variant is considered likely benign. This variant has been observed at a population frequency that is significantly greater than expected given the associated disease prevalence and penetrance.

Women's Health and Genetics/Laboratory Corporation of America, LabCorp
Classification: Likely benign. Last evaluated: 2024-04-20. Review status: criteria provided, single submitter. Criteria: LabCorp Variant Classification Summary - May 2015. Collection method: clinical testing. Allele origin: germline.

GeneDx
Classification: Uncertain significance. Last evaluated: 2024-03-21. Review status: criteria provided, single submitter. Criteria: GeneDx Variant Classification Process June 2021. Collection method: clinical testing. Allele origin: germline. Affected: yes.
Comment: Observed in a patient with a duodenopancreatic neuroendocrine tumor and hyperparathyroidism, co-occurring with a pathogenic MEN1 variant (PMID: 30339208); In silico analysis supports that this missense variant does not alter protein structure/function; This variant is associated with the following publications: (PMID: 29641532, 9989505, 30339208)

Revvity Omics, Revvity
Classification: Uncertain significance for Multiple endocrine neoplasia, type 1. Last evaluated: 2023-11-23. Review status: criteria provided, single submitter. Criteria: ACMG Guidelines, 2015. Collection method: clinical testing. Allele origin: germline.

Ambry Genetics
Classification: Benign for Hereditary cancer-predisposing syndrome. Last evaluated: 2023-11-15. Review status: criteria provided, single submitter. Criteria: Ambry Variant Classification Scheme 2023. Collection method: clinical testing. Allele origin: germline.

Color Diagnostics, LLC DBA Color Health
Classification: Likely benign for Multiple endocrine neoplasia, type 1. Last evaluated: 2022-11-06. Review status: criteria provided, single submitter. Criteria: ACMG Guidelines, 2015. Collection method: clinical testing. Allele origin: germline.

Illumina Laboratory Services, Illumina
Classification: Uncertain significance for Hyperparathyroidism. Last evaluated: 2018-01-13. Review status: criteria provided, single submitter. Criteria: ICSL Variant Classification Criteria 13 December 2019. Collection method: clinical testing. Allele origin: germline.

Illumina Laboratory Services, Illumina
Classification: Benign for Multiple endocrine neoplasia, type 1. Last evaluated: 2018-01-13. Review status: criteria provided, single submitter. Criteria: ICSL Variant Classification Criteria 13 December 2019. Collection method: clinical testing. Allele origin: germline.
Comment: This variant was observed in the ICSL laboratory as part of a predisposition screen in an ostensibly healthy population. It had not been previously curated by ICSL or reported in the Human Gene Mutation Database (HGMD: prior to June 1st, 2018), and was therefore a candidate for classification through an automated scoring system. Utilizing variant allele frequency, disease prevalence and penetrance estimates, and inheritance mode, an automated score was calculated to assess if this variant is too frequent to cause the disease. Based on the score and internal cut-off values, a variant classified as benign is not then subjected to further curation. The score for this variant resulted in a classification of benign for this disease.

Literature cited by the submitters: PubMed 30339208 (cited by Ambry Genetics).